The following is an entry in ClinVar:

NM_002180.3(IGHMBP2):c.703G>A (p.Gly235Ser)

Gene: IGHMBP2 (immunoglobulin mu DNA binding protein 2; plus strand). Cytogenetic location: 11q13.3.
Variant type: single nucleotide variant.
Coding change: c.703G>A on transcript NM_002180.3 (MANE Select); coding-DNA position 703, G replaced by A.
Protein change: p.Gly235Ser; replaces glycine 235 with serine.
Molecular consequence: missense variant.
Genome position (GRCh38, 1-based): chr11:68,911,595, G>A. VCF-style: chr11-68911595-G-A. GRCh37 (hg19) VCF-style: chr11-68679063-G-A.
Other names: short protein forms G235S.
Identifiers: ClinVar variation 1756829 (VCV001756829.2), dbSNP rs2495965335, ClinGen allele CA381644039.

ClinVar aggregate classification (germline): Uncertain significance (1 of 4 stars; one submission).

Conditions:
Inborn genetic diseases. Identifiers: MedGen C0950123, MeSH D030342.

Allele frequency attached by ClinVar (database versions not stated): gnomAD exomes below 0.00001.
gnomAD v4.1: 1 of 1,614,190 alleles (0.000062%); highest among the groups gnomAD compares: Non-Finnish European, 0.000085%; no homozygotes.

Submission:

Ambry Genetics
Classification: Uncertain significance for Inborn genetic diseases. Last evaluated: 2021-02-26. Review status: criteria provided, single submitter. Criteria: Ambry Variant Classification Scheme 2023. Collection method: clinical testing. Allele origin: germline.
Comment: The p.G235S variant (also known as c.703G>A), located in coding exon 5 of the IGHMBP2 gene, results from a G to A substitution at nucleotide position 703. The glycine at codon 235 is replaced by serine, an amino acid with similar properties. This amino acid position is highly conserved in available vertebrate species. In addition, the in silico prediction for this alteration is inconclusive. Since supporting evidence is limited at this time, the clinical significance of this alteration remains unclear.